The following is an entry in ClinVar:

NM_000321.3(RB1):c.1904C>T (p.Ala635Val)

Gene: RB1 (RB transcriptional corepressor 1; plus strand). Cytogenetic location: 13q14.2.
Variant type: single nucleotide variant.
Coding change: c.1904C>T on transcript NM_000321.3 (MANE Select); coding-DNA position 1904, C replaced by T.
Protein change: p.Ala635Val; replaces alanine 635 with valine.
Molecular consequence: missense variant.
Genome position (GRCh38, 1-based): chr13:48,456,293, C>T. VCF-style: chr13-48456293-C-T. GRCh37 (hg19) VCF-style: chr13-49030429-C-T.
Other names: c.1904C>T, p.Ala635Val (NM_001407165.1); short protein forms A635V.
Identifiers: ClinVar variation 1924105 (VCV001924105.6), dbSNP rs1593532038, ClinGen allele CA388166071.
Genomic context (GRCh38, chr13:48,456,293, plus strand): 5'-AAAAAGGTTCAACTACGCGTGTAAATTCTACTGCAAATGCAGAGACACAAGCAACCTCAG[C>T]CTTCCAGACCCAGAAGCCATTGAAATCTACCTCTCTTTCACTGTTTTATAAAAAAGGTTA-3'
Protein context (NP_000312.2, residues 625-645): TANAETQATS[Ala635Val]FQTQKPLKST

ClinVar aggregate classification (germline): Uncertain significance. Review status: criteria provided, multiple submitters, no conflicts (2 of 4 stars). 2 submissions from 2 submitters: Uncertain significance (2). Last evaluated 2025-09-05.

Conditions:
Hereditary cancer-predisposing syndrome. Also called: Hereditary Cancer Syndrome; Hereditary neoplastic syndrome; Neoplastic Syndromes, Hereditary; Tumor predisposition. Identifiers: Orphanet 140162, MedGen C0027672, MeSH D009386, MONDO:0015356.
Retinoblastoma (RB1). Also called: RETINOBLASTOMA, SOMATIC. Identifiers: Orphanet 790, MedGen C0035335, MeSH D012175, MONDO:0008380, OMIM 180200, HP:0009919. Disease mechanism: loss of function. Inheritance: Both sporadic and heritable forms are tested..

gnomAD v4.1: 1 of 1,614,206 alleles (0.000062%); highest among the groups gnomAD compares: Middle Eastern, 0.016%; no homozygotes.

Submissions (2):

Ambry Genetics
Classification: Uncertain significance for Hereditary cancer-predisposing syndrome. Last evaluated: 2025-09-05. Review status: criteria provided, single submitter. Criteria: Ambry Variant Classification Scheme 2023. Collection method: clinical testing. Allele origin: germline.
Comment: The p.A635V variant (also known as c.1904C>T), located in coding exon 19 of the RB1 gene, results from a C to T substitution at nucleotide position 1904. The alanine at codon 635 is replaced by valine, an amino acid with similar properties. This amino acid position is not well conserved in available vertebrate species. In addition, the in silico prediction for this alteration is inconclusive. Based on the available evidence, the clinical significance of this variant remains unclear.

Labcorp Genetics (formerly Invitae), Labcorp
Classification: Uncertain significance for Retinoblastoma. Last evaluated: 2025-08-20. Review status: criteria provided, single submitter. Criteria: Invitae Variant Classification Sherloc (09022015). Collection method: clinical testing. Allele origin: germline.
Comment: This sequence change replaces alanine, which is neutral and non-polar, with valine, which is neutral and non-polar, at codon 635 of the RB1 protein (p.Ala635Val). This variant is not present in population databases (gnomAD no frequency). This variant has not been reported in the literature in individuals affected with RB1-related conditions. ClinVar contains an entry for this variant (Variation ID: 1924105). Invitae Evidence Modeling of protein sequence and biophysical properties (such as structural, functional, and spatial information, amino acid conservation, physicochemical variation, residue mobility, and thermodynamic stability) indicates that this missense variant is not expected to disrupt RB1 protein function with a negative predictive value of 80%. In summary, the available evidence is currently insufficient to determine the role of this variant in disease. Therefore, it has been classified as a Variant of Uncertain Significance.